The following is an entry in ClinVar:

ClinVar aggregate classification (germline): Likely pathogenic (1 of 4 stars; one submission).

Conditions:
CR2-related disorder. Also called: CR2-related condition; CR2-related disorders.

gnomAD v4.1: 1 of 1,613,196 alleles (0.000062%); highest among the groups gnomAD compares: Non-Finnish European, 0.000085%; no homozygotes.

Submission:

PreventionGenetics, part of Exact Sciences
Classification: Likely pathogenic for CR2-related condition. Last evaluated: 2023-07-11. Review status: criteria provided, single submitter. Criteria: ACMG Guidelines, 2015. Collection method: clinical testing. Allele origin: germline.
Comment: The CR2 c.3088+1G>T variant is predicted to disrupt the GT donor site and interfere with normal splicing. To our knowledge, this variant has not been reported in the literature or in a large population database, indicating this variant is rare. Variants that disrupt a consensus splice donor site in CR2 are expected to be pathogenic. This variant is interpreted as likely pathogenic.

NM_001006658.3(CR2):c.3088+1G>T

Gene: CR2 (complement C3d receptor 2; plus strand). Cytogenetic location: 1q32.2.
Variant type: single nucleotide variant.
Coding change: c.3088+1G>T on transcript NM_001006658.3 (MANE Select); the canonical splice donor site of the intron after coding-DNA position 3088, G replaced by T.
Molecular consequence: splice donor variant.
Genome position (GRCh38, 1-based): chr1:207,478,071, G>T. VCF-style: chr1-207478071-G-T. GRCh37 (hg19) VCF-style: chr1-207651416-G-T.
Other names: c.2911+1G>T (NM_001877.5).
Identifiers: ClinVar variation 2629561 (VCV002629561.1), dbSNP rs200320927, ClinGen allele CA344541868.